The following is an entry in ClinVar:

ClinVar aggregate classification (germline): Conflicting classifications of pathogenicity. Review status: criteria provided, conflicting classifications (1 of 4 stars). 2 submissions from 2 submitters: Uncertain significance (1); Benign (1). Last evaluated 2025-12-25.

Conditions:
Kabuki syndrome. Also called: NIIKAWA-KUROKI SYNDROME; Kabuki make-up syndrome. Identifiers: Orphanet 2322, MedGen C0796004, MONDO:0016512.
Choanal atresia-athelia-hypothyroidism-delayed puberty-short stature syndrome (BCAHH). Also called: BRANCHIAL ARCH ABNORMALITIES, CHOANAL ATRESIA, ATHELIA, HEARING LOSS, AND HYPOTHYROIDISM SYNDROME. Identifiers: Orphanet 589856, MedGen C5680310, MONDO:0035651, OMIM 620186.

gnomAD v4.1: 13 of 1,613,004 alleles (0.00081%); highest among the groups gnomAD compares: South Asian, 0.0055%; no homozygotes.

Submissions (2):

Labcorp Genetics (formerly Invitae), Labcorp
Classification: Benign for Kabuki syndrome. Last evaluated: 2025-12-25. Review status: criteria provided, single submitter. Criteria: Invitae Variant Classification Sherloc (09022015). Collection method: clinical testing. Allele origin: germline.

Victorian Clinical Genetics Services, Murdoch Childrens Research Institute
Classification: Uncertain significance for Choanal atresia-athelia-hypothyroidism-delayed puberty-short stature syndrome. Last evaluated: 2024-10-08. Review status: criteria provided, single submitter. Criteria: ACMG Guidelines, 2015. Collection method: clinical testing. Allele origin: germline. Inheritance: Autosomal dominant inheritance. Affected: yes.
Comment: Based on the classification scheme VCGS_Germline_v1.3.4, this variant is classified as VUS-3C. Following criteria are met: 0102 - Loss of function is a known mechanism of disease in this gene and is associated with Kabuki syndrome 1 (MIM#147920) and branchial arch abnormalities, choanal atresia, athelia, hearing loss, and hypothyroidism syndrome (MIM#620186). (I) 0107 - This gene is associated with autosomal dominant disease. (I) 0115 - Variants in this gene are known to have variable expressivity. Phenotype is variable and the severity of certain features can also vary for Kabuki syndrome 1 (PMID: 31949313). (I) 0200 - Variant is predicted to result in a missense amino acid change from leucine to phenylalanine. (I) 0251 - This variant is heterozygous. (I) 0302 - Variant is present in gnomAD (v2) <0.001 for a dominant condition (5 heterozygotes, 0 homozygotes). (SP) 0503 - Missense variant consistently predicted to be tolerated by multiple in silico tools or not conserved in placental mammals with a minor amino acid change. (SB) 0604 - Variant is not located in an established domain, motif, hotspot or informative constraint region. (I) 0705 - No comparable missense variants have previous evidence for pathogenicity. (I) 0807 - This variant has no previous evidence of pathogenicity. (I) 0905 - No published segregation evidence has been identified for this variant. (I) 1007 - No published functional evidence has been identified for this variant. (SP) Legend: (SP) - Supporting pathogenic, (I) - Information, (SB) - Supporting benign

Literature cited by the submitters: PubMed 31949313 (cited by Victorian Clinical Genetics Services, Murdoch Childrens Research Institute).

NM_003482.4(KMT2D):c.12535C>T (p.Leu4179Phe)

Gene: KMT2D (lysine methyltransferase 2D; minus strand). Cytogenetic location: 12q13.12.
Variant type: single nucleotide variant.
Coding change: c.12535C>T on transcript NM_003482.4 (MANE Select); coding-DNA position 12535, C replaced by T.
Protein change: p.Leu4179Phe; replaces leucine 4179 with phenylalanine.
Molecular consequence: missense variant.
Genome position (GRCh38, 1-based): chr12:49,032,170, G>A on the plus strand (C>T on the coding strand, the complement: KMT2D is on the minus strand). VCF-style: chr12-49032170-G-A. GRCh37 (hg19) VCF-style: chr12-49425953-G-A.
Other names: short protein forms L4179F.
Identifiers: ClinVar variation 3377225 (VCV003377225.2).